The following is an entry in ClinVar:

NM_006070.6(TFG):c.61A>T (p.Ile21Phe)

Gene: TFG (trafficking from ER to golgi regulator; plus strand). Cytogenetic location: 3q12.2.
Variant type: single nucleotide variant.
Coding change: c.61A>T on transcript NM_006070.6 (MANE Select); coding-DNA position 61, A replaced by T.
Protein change: p.Ile21Phe; replaces isoleucine 21 with phenylalanine.
Molecular consequence: missense variant.
Genome position (GRCh38, 1-based): chr3:100,713,746, A>T. VCF-style: chr3-100713746-A-T. GRCh37 (hg19) VCF-style: chr3-100432590-A-T.
Other names: c.61A>T, p.Ile21Phe (NM_001007565.2, NM_001195478.2, NM_001195479.2); c.61A>T (NM_006070.5); short protein forms I21F.
Identifiers: ClinVar variation 1035040 (VCV001035040.9), dbSNP rs377136610, ClinGen allele CA353836819.

ClinVar aggregate classification (germline): Uncertain significance. Review status: criteria provided, multiple submitters, no conflicts (2 of 4 stars). 2 submissions from 2 submitters: Uncertain significance (2). Last evaluated 2024-04-24.

Conditions:
Hereditary spastic paraplegia 57. Also called: Spastic paraplegia 57, autosomal recessive. Identifiers: Orphanet 431329, MedGen C3714897, MONDO:0014295, OMIM 615658.
Hereditary motor and sensory neuropathy, Okinawa type (HMSNO). Also called: HEREDITARY MOTOR AND SENSORY NEUROPATHY, PROXIMAL TYPE. Identifiers: Orphanet 90117, MedGen C1858338, MONDO:0011468, OMIM 604484.
Inborn genetic diseases. Identifiers: MedGen C0950123, MeSH D030342.

gnomAD v4.1: 4 of 1,611,426 alleles (0.00025%); highest among the groups gnomAD compares: African/African-American, 0.0013%; no homozygotes.

Submissions (2):

Labcorp Genetics (formerly Invitae), Labcorp
Classification: Uncertain significance for Hereditary motor and sensory neuropathy, Okinawa type; Hereditary spastic paraplegia 57. Last evaluated: 2024-04-24. Review status: criteria provided, single submitter. Criteria: Invitae Variant Classification Sherloc (09022015). Collection method: clinical testing. Allele origin: germline.
Comment: This sequence change replaces isoleucine, which is neutral and non-polar, with phenylalanine, which is neutral and non-polar, at codon 21 of the TFG protein (p.Ile21Phe). This variant is present in population databases (no rsID available, gnomAD 0.007%). This variant has not been reported in the literature in individuals affected with TFG-related conditions. ClinVar contains an entry for this variant (Variation ID: 1035040). Advanced modeling of protein sequence and biophysical properties (such as structural, functional, and spatial information, amino acid conservation, physicochemical variation, residue mobility, and thermodynamic stability) performed at Invitae indicates that this missense variant is expected to disrupt TFG protein function with a positive predictive value of 80%. In summary, the available evidence is currently insufficient to determine the role of this variant in disease. Therefore, it has been classified as a Variant of Uncertain Significance.

Ambry Genetics
Classification: Uncertain significance for Inborn genetic diseases. Last evaluated: 2024-01-12. Review status: criteria provided, single submitter. Criteria: Ambry Variant Classification Scheme 2023. Collection method: clinical testing. Allele origin: germline.